The following is an entry in ClinVar:

NM_003835.4(RGS9):c.1371G>C (p.Lys457Asn)

Gene: RGS9 (regulator of G protein signaling 9; plus strand). Cytogenetic location: 17q24.1.
Variant type: single nucleotide variant.
Coding change: c.1371G>C on transcript NM_003835.4 (MANE Select); coding-DNA position 1371, G replaced by C.
Protein change: p.Lys457Asn; replaces lysine 457 with asparagine.
Molecular consequence: missense variant.
Genome position (GRCh38, 1-based): chr17:65,210,569, G>C. VCF-style: chr17-65210569-G-C. GRCh37 (hg19) VCF-style: chr17-63206687-G-C.
Other names: c.1362G>C, p.Lys454Asn (NM_001081955.3, NM_001165933.2); short protein forms K454N, K457N.
Identifiers: ClinVar variation 2013636 (VCV002013636.4), dbSNP rs2509435684, ClinGen allele CA400672967.

ClinVar aggregate classification (germline): Uncertain significance (1 of 4 stars; one submission).

Submission:

Labcorp Genetics (formerly Invitae), Labcorp
Classification: Uncertain significance. Last evaluated: 2023-11-27. Review status: criteria provided, single submitter. Criteria: Invitae Variant Classification Sherloc (09022015). Collection method: clinical testing. Allele origin: germline.
Comment: This sequence change replaces lysine, which is basic and polar, with asparagine, which is neutral and polar, at codon 457 of the RGS9 protein (p.Lys457Asn). This variant is not present in population databases (gnomAD no frequency). This variant has not been reported in the literature in individuals affected with RGS9-related conditions. ClinVar contains an entry for this variant (Variation ID: 2013636). Advanced modeling of protein sequence and biophysical properties (such as structural, functional, and spatial information, amino acid conservation, physicochemical variation, residue mobility, and thermodynamic stability) performed at Invitae indicates that this missense variant is not expected to disrupt RGS9 protein function with a negative predictive value of 80%. In summary, the available evidence is currently insufficient to determine the role of this variant in disease. Therefore, it has been classified as a Variant of Uncertain Significance.